The following is an entry in ClinVar:

NM_006231.4(POLE):c.320C>A (p.Ala107Glu)

Gene: POLE (DNA polymerase epsilon, catalytic subunit; minus strand). Cytogenetic location: 12q24.33.
Variant type: single nucleotide variant.
Coding change: c.320C>A on transcript NM_006231.4 (MANE Select); coding-DNA position 320, C replaced by A.
Protein change: p.Ala107Glu; replaces alanine 107 with glutamic acid.
Molecular consequence: missense variant.
Genome position (GRCh38, 1-based): chr12:132,680,188, G>T on the plus strand (C>A on the coding strand, the complement: POLE is on the minus strand). VCF-style: chr12-132680188-G-T. GRCh37 (hg19) VCF-style: chr12-133256774-G-T.
Other names: short protein forms A107E.
Identifiers: ClinVar variation 1913832 (VCV001913832.5), dbSNP rs878854860, ClinGen allele CA387368611.

ClinVar aggregate classification (germline): Uncertain significance (1 of 4 stars; one submission).

Submission:

Labcorp Genetics (formerly Invitae), Labcorp
Classification: Uncertain significance. Last evaluated: 2024-04-22. Review status: criteria provided, single submitter. Criteria: Invitae Variant Classification Sherloc (09022015). Collection method: clinical testing. Allele origin: germline.
Comment: This sequence change replaces alanine, which is neutral and non-polar, with glutamic acid, which is acidic and polar, at codon 107 of the POLE protein (p.Ala107Glu). This variant is not present in population databases (gnomAD no frequency). This variant has not been reported in the literature in individuals affected with POLE-related conditions. ClinVar contains an entry for this variant (Variation ID: 1913832). Advanced modeling of protein sequence and biophysical properties (such as structural, functional, and spatial information, amino acid conservation, physicochemical variation, residue mobility, and thermodynamic stability) performed at Invitae indicates that this missense variant is not expected to disrupt POLE protein function with a negative predictive value of 80%. In summary, the available evidence is currently insufficient to determine the role of this variant in disease. Therefore, it has been classified as a Variant of Uncertain Significance.